The following is an entry in ClinVar:

NM_003579.4(RAD54L):c.2209C>T (p.Gln737Ter)

Genes: RAD54L (RAD54 like; plus strand), LRRC41 (leucine rich repeat containing 41; minus strand). Cytogenetic location: 1p34.1.
Variant type: single nucleotide variant.
Coding change: c.2209C>T on transcript NM_003579.4 (MANE Select); coding-DNA position 2209, C replaced by T.
Protein change: p.Gln737Ter; replaces glutamine 737 with a stop codon.
Molecular consequence: nonsense. On other transcripts: 3 prime UTR variant (1).
Genome position (GRCh38, 1-based): chr1:46,278,247, C>T. VCF-style: chr1-46278247-C-T. GRCh37 (hg19) VCF-style: chr1-46743919-C-T.
Other names: c.*618G>A (NM_006369.5); c.2209C>T, p.Gln737Ter (NM_001142548.2); c.1669C>T, p.Gln557Ter (NM_001370766.1); short protein forms Q737*, Q557*.
Identifiers: ClinVar variation 2585329 (VCV002585329.1), dbSNP rs758653425, ClinGen allele CA834841.

ClinVar aggregate classification (germline): Uncertain significance (1 of 4 stars; one submission).

Conditions:
Familial cancer of breast. Also called: BREAST CANCER, FAMILIAL; hereditary breast carcinoma; Hereditary breast cancer. Identifiers: Orphanet 227535, MedGen C0346153, MONDO:0016419, OMIM 114480. Disease mechanism: loss of function.

Allele frequency attached by ClinVar (database versions not stated): gnomAD exomes below 0.00001; ExAC 0.00001.
gnomAD v4.1: 3 of 1,613,842 alleles (0.00019%); highest among the groups gnomAD compares: South Asian, 0.0033%; no homozygotes.

Submission:

Neuberg Centre For Genomic Medicine, NCGM
Classification: Uncertain significance for Familial cancer of breast. Review status: criteria provided, single submitter. Criteria: ACMG Guidelines, 2015. Collection method: clinical testing. Allele origin: germline. Inheritance: Autosomal dominant inheritance. Affected: yes.
Comment: This variant has not been reported previously in affected indviduals. This variant has not been reported to the ClinVar database. The nucleotide change in RAD54L is predicted as conserved by GERP++ and PhyloP across 100 vertebrates. The variant is novel (not in any individuals) in 1000 Genomes. The variant is a termination variant and is expected to cause protein truncation. The gene is tolerant to loss of function variants (pLI=0). Reported variants till data are mainly missense (Matsuda M, Felicio PS et al,2021).Hence this variant is classified as uncertain significance as per ACMG guidelines.